The following is an entry in ClinVar:

NM_003718.5(CDK13):c.1970G>A (p.Gly657Glu)

Gene: CDK13 (cyclin dependent kinase 13; plus strand). Cytogenetic location: 7p14.1.
Variant type: single nucleotide variant.
Coding change: c.1970G>A on transcript NM_003718.5 (MANE Select); coding-DNA position 1970, G replaced by A.
Protein change: p.Gly657Glu; replaces glycine 657 with glutamic acid.
Molecular consequence: missense variant.
Genome position (GRCh38, 1-based): chr7:39,997,592, G>A. VCF-style: chr7-39997592-G-A. GRCh37 (hg19) VCF-style: chr7-40037191-G-A.
Other names: c.1970G>A, p.Gly657Glu (NM_031267.4); short protein forms G657E.
Identifiers: ClinVar variation 5000897 (VCV005000897.1).

ClinVar aggregate classification (germline): Uncertain significance (1 of 4 stars; one submission).

Conditions:
CDK13-related disorder. Also called: CDK13-related condition. Identifiers: MedGen C5816700.

gnomAD v4.1: 1 of 1,612,754 alleles (0.000062%); highest among the groups gnomAD compares: Non-Finnish European, 0.000085%; no homozygotes.

Submission:

PreventionGenetics, part of Exact Sciences
Classification: Uncertain significance for CDK13-related condition. Last evaluated: 2025-05-06. Review status: criteria provided, single submitter. Criteria: ACMG Guidelines, 2015. Collection method: clinical testing. Allele origin: germline.
Comment: The CDK13 c.1970G>A variant is predicted to result in the amino acid substitution p.Gly657Glu. To our knowledge, this variant has not been reported in the literature or in a large population database (gnomAD), indicating this variant is rare. At this time, the clinical significance of this variant is uncertain due to the absence of conclusive functional and genetic evidence.